The following is an entry in ClinVar:

ClinVar aggregate classification (germline): Conflicting classifications of pathogenicity. Review status: criteria provided, conflicting classifications (1 of 4 stars). 2 submissions from 2 submitters: Uncertain significance (1); Likely benign (1). Last evaluated 2025-06-13.

Conditions:
Cardiovascular phenotype. Identifiers: MedGen CN230736.

gnomAD v4.1: 32 of 1,550,132 alleles (0.0021%); highest among the groups gnomAD compares: Non-Finnish European, 0.0028%; no homozygotes.

Submissions (2):

Ambry Genetics
Classification: Likely benign for Cardiovascular phenotype. Last evaluated: 2025-06-13. Review status: criteria provided, single submitter. Criteria: Ambry Variant Classification Scheme 2023. Collection method: clinical testing. Allele origin: germline.

Labcorp Genetics (formerly Invitae), Labcorp
Classification: Uncertain significance. Last evaluated: 2021-12-10. Review status: criteria provided, single submitter. Criteria: Invitae Variant Classification Sherloc (09022015). Collection method: clinical testing. Allele origin: germline.
Comment: This sequence change replaces glycine, which is neutral and non-polar, with cysteine, which is neutral and slightly polar, at codon 1279 of the ZNF469 protein (p.Gly1279Cys). The frequency data for this variant in the population databases is considered unreliable, as metrics indicate poor data quality at this position in the gnomAD database. This variant has not been reported in the literature in individuals affected with ZNF469-related conditions. Algorithms developed to predict the effect of missense changes on protein structure and function output the following: SIFT: "Tolerated"; PolyPhen-2: "Benign"; Align-GVGD: "Class C0". The cysteine amino acid residue is found in multiple mammalian species, which suggests that this missense change does not adversely affect protein function. In summary, the available evidence is currently insufficient to determine the role of this variant in disease. Therefore, it has been classified as a Variant of Uncertain Significance.

NM_001367624.2(ZNF469):c.3919G>T (p.Gly1307Cys)

Gene: ZNF469 (zinc finger protein 469; plus strand). Cytogenetic location: 16q24.2.
Variant type: single nucleotide variant.
Coding change: c.3919G>T on transcript NM_001367624.2 (MANE Select); coding-DNA position 3919, G replaced by T.
Protein change: p.Gly1307Cys; replaces glycine 1307 with cysteine.
Molecular consequence: missense variant.
Genome position (GRCh38, 1-based): chr16:88,431,389, G>T. VCF-style: chr16-88431389-G-T. GRCh37 (hg19) VCF-style: chr16-88497797-G-T.
Other names: NM_001127464.1:c.3835G>T; short protein forms G1307C.
Identifiers: ClinVar variation 1501351 (VCV001501351.4), dbSNP rs568553875, ClinGen allele CA286375385.